The following is an entry in ClinVar:

NM_001148.6(ANK2):c.9278C>A (p.Thr3093Asn)

Gene: ANK2 (ankyrin 2; plus strand). Cytogenetic location: 4q26.
Variant type: single nucleotide variant.
Coding change: c.9278C>A on transcript NM_001148.6 (MANE Select); coding-DNA position 9278, C replaced by A.
Protein change: p.Thr3093Asn; replaces threonine 3093 with asparagine.
Molecular consequence: missense variant. On other transcripts: intron variant (68).
Genome position (GRCh38, 1-based): chr4:113,357,896, C>A. VCF-style: chr4-113357896-C-A. GRCh37 (hg19) VCF-style: chr4-114279052-C-A.
Other names: c.4202-2927C>A (NM_001354253.2, NM_001354270.2); c.4166-2927C>A (NM_001354257.2, NM_001386156.1); c.4241-2927C>A (NM_001354249.2, NM_001354266.2, NM_001354276.2 and 2 more transcripts); c.4208-2927C>A (NM_001386146.1, NM_001386150.1, NM_001386149.1 and 1 more transcripts); c.4193-2927C>A (NM_001354274.2, NM_001386154.1); c.4142-2927C>A (NM_001386151.1, NM_001354260.2, NM_001354271.2); c.4043-2927C>A (NM_001386157.1, NM_001354277.2); c.4361-2927C>A (NM_001386161.1, NM_001354244.2, NM_001354256.2); and 35 more; short protein forms T1893N, T3015N, T3093N, T3132N, T3140N.
Identifiers: ClinVar variation 2574907 (VCV002574907.1), dbSNP rs1178300784, ClinGen allele CA357936984.
Genomic context (GRCh38, chr4:113,357,896, plus strand): 5'-GACAATCACAGGGTACCACCCCTGACACCACTCCTGCTAGGACCCCAACTGAAGAGGGGA[C>A]CCCAACAAGTGAGCAAAACCCATTTCTGTTTCAGGAAGGAAAATTGTTTGAAATGACCCG-3'
Protein context (NP_001139.3, residues 3083-3103): TPARTPTEEG[Thr3093Asn]PTSEQNPFLF

ClinVar aggregate classification (germline): Uncertain significance (1 of 4 stars; one submission).

Submission:

GeneDx
Classification: Uncertain significance. Last evaluated: 2023-02-05. Review status: criteria provided, single submitter. Criteria: GeneDx Variant Classification Process June 2021. Collection method: clinical testing. Allele origin: germline. Affected: yes.
Comment: Not observed at significant frequency in large population cohorts (gnomAD); In silico analysis supports that this missense variant has a deleterious effect on protein structure/function; Has not been previously published as pathogenic or benign to our knowledge